The following is an entry in ClinVar:

ClinVar aggregate classification (germline): Benign/Likely benign. Review status: criteria provided, multiple submitters, no conflicts (2 of 4 stars). 5 submissions from 5 submitters: Benign (2); Likely benign (3). Last evaluated 2026-07-01.

Allele frequency attached by ClinVar (database versions not stated): 1000 Genomes Project 30x 0.00016; gnomAD 0.00131 and 0.00138; TOPMed 0.00136; gnomAD exomes 0.00147; ExAC 0.00158; ESP Exome Variant Server 0.00174.
gnomAD v4.1: 3,385 of 1,613,152 alleles (0.21%); highest among the groups gnomAD compares: Non-Finnish European, 0.26%; 8 homozygotes.

Submissions (5):

CeGaT Center for Human Genetics Tuebingen
Classification: Likely benign. Last evaluated: 2026-07-01. Review status: criteria provided, single submitter. Criteria: CeGaT Center For Human Genetics Tuebingen Variant Classification Criteria Version 2. Collection method: clinical testing. Allele origin: germline. Affected: yes. Observed: 4 variant alleles.
Comment: FLI1: BP4, BP7

Labcorp Genetics (formerly Invitae), Labcorp
Classification: Benign. Last evaluated: 2026-01-26. Review status: criteria provided, single submitter. Criteria: Invitae Variant Classification Sherloc (09022015). Collection method: clinical testing. Allele origin: germline.

Blueprint Genetics
Classification: Likely benign. Last evaluated: 2024-11-26. Review status: criteria provided, single submitter. Criteria: ACMG Guidelines, 2015. Collection method: clinical testing. Allele origin: germline.

Mayo Clinic Laboratories, Mayo Clinic
Classification: Likely benign. Last evaluated: 2023-10-16. Review status: criteria provided, single submitter. Criteria: ACMG Guidelines, 2015. Collection method: clinical testing. Allele origin: germline. Observed: 5 variant alleles.
Comment: BS1_moderate, BP4, BP7

Breakthrough Genomics
Classification: Benign. Review status: criteria provided, single submitter. Criteria: ACMG Guidelines, 2015. Collection method: not provided. Allele origin: germline. Inheritance: Autosomal dominant inheritance. Affected: yes.

NM_002017.5(FLI1):c.111G>A (p.Ser37=)

Gene: FLI1 (Fli-1 proto-oncogene, ETS transcription factor; plus strand). Cytogenetic location: 11q24.3.
Variant type: single nucleotide variant.
Coding change: c.111G>A on transcript NM_002017.5 (MANE Select); coding-DNA position 111, G replaced by A.
Protein change: p.Ser37=; no amino-acid change (serine 37 retained).
Molecular consequence: synonymous variant. On other transcripts: 5 prime UTR variant (2).
Genome position (GRCh38, 1-based): chr11:128,758,207, G>A. VCF-style: chr11-128758207-G-A. GRCh37 (hg19) VCF-style: chr11-128628102-G-A.
Other names: p.Ser37=; c.12G>A, p.Ser4= (NM_001167681.3); c.-259G>A (NM_001271010.2); c.-110G>A (NM_001271012.2).
Identifiers: ClinVar variation 773255 (VCV000773255.35), dbSNP rs201047249, ClinGen allele CA6356937.